The following is an entry in ClinVar:

NM_199420.4(POLQ):c.2017T>C (p.Trp673Arg)

Gene: POLQ (DNA polymerase theta; minus strand). Cytogenetic location: 3q13.33.
Variant type: single nucleotide variant.
Coding change: c.2017T>C on transcript NM_199420.4 (MANE Select); coding-DNA position 2017, T replaced by C.
Protein change: p.Trp673Arg; replaces tryptophan 673 with arginine.
Molecular consequence: missense variant.
Genome position (GRCh38, 1-based): chr3:121,498,613, A>G on the plus strand (T>C on the coding strand, the complement: POLQ is on the minus strand). VCF-style: chr3-121498613-A-G. GRCh37 (hg19) VCF-style: chr3-121217460-A-G.
Other names: short protein forms W673R.
Identifiers: ClinVar variation 3422351 (VCV003422351.1).
Genomic context (GRCh38, chr3:121,498,613, plus strand): 5'-ACCCCTCTTCAACTCCCACTAGCTCTGCCACCCTTTTCATTGAAGTTGGCAACTTCTCCC[A>G]TAAACAGAAAAATCGATACCAATCAATAGTAGTCCAATCCTCAAACATAGGTGTAACCTA-3'
Protein context (NP_955452.3, residues 663-683): TIDWYRFFCL[Trp673Arg]EKLPTSMKRV

ClinVar aggregate classification (germline): Uncertain significance (1 of 4 stars; one submission).

gnomAD v4.1: 1 of 1,613,932 alleles (0.000062%); highest among the groups gnomAD compares: African/African-American, 0.0013%; no homozygotes.

Submission:

Ambry Genetics
Classification: Uncertain significance. Last evaluated: 2024-09-24. Review status: criteria provided, single submitter. Criteria: Ambry Variant Classification Scheme 2023. Collection method: clinical testing. Allele origin: germline.
Comment: The p.W673R variant (also known as c.2017T>C), located in coding exon 13 of the POLQ gene, results from a T to C substitution at nucleotide position 2017. The tryptophan at codon 673 is replaced by arginine, an amino acid with dissimilar properties. This amino acid position is conserved. In addition, the in silico prediction for this alteration is inconclusive. Based on the available evidence, the clinical significance of this variant remains unclear.